The following is an entry in ClinVar:

ClinVar aggregate classification (germline): Uncertain significance (1 of 4 stars; one submission).

Submission:

Mayo Clinic Laboratories, Mayo Clinic
Classification: Uncertain significance. Last evaluated: 2024-05-14. Review status: criteria provided, single submitter. Criteria: ACMG Guidelines, 2015. Collection method: clinical testing. Allele origin: germline. Observed: 2 variant alleles.
Comment: PP2, PP3, PM2_moderate, PM5_supporting

Literature cited by the submitters: PubMed 20002731; PubMed 26226608.

NM_002473.6(MYH9):c.4669C>T (p.Arg1557Trp)

Gene: MYH9 (myosin heavy chain 9; minus strand). Cytogenetic location: 22q12.3.
Variant type: single nucleotide variant.
Coding change: c.4669C>T on transcript NM_002473.6 (MANE Select); coding-DNA position 4669, C replaced by T.
Protein change: p.Arg1557Trp; replaces arginine 1557 with tryptophan.
Molecular consequence: missense variant.
Genome position (GRCh38, 1-based): chr22:36,288,828, G>A on the plus strand (C>T on the coding strand, the complement: MYH9 is on the minus strand). VCF-style: chr22-36288828-G-A. GRCh37 (hg19) VCF-style: chr22-36684874-G-A.
Other names: p.Arg1557Trp; short protein forms R1557W.
Identifiers: ClinVar variation 3380712 (VCV003380712.1).